The following is an entry in ClinVar:

NM_001365951.3(KIF1B):c.2090A>G (p.Asp697Gly)

Gene: KIF1B (kinesin family member 1B; plus strand). Cytogenetic location: 1p36.22.
Variant type: single nucleotide variant.
Coding change: c.2090A>G on transcript NM_001365951.3 (MANE Select); coding-DNA position 2090, A replaced by G.
Protein change: p.Asp697Gly; replaces aspartic acid 697 with glycine.
Molecular consequence: missense variant.
Genome position (GRCh38, 1-based): chr1:10,297,221, A>G. VCF-style: chr1-10297221-A-G. GRCh37 (hg19) VCF-style: chr1-10357279-A-G.
Other names: c.2090A>G, p.Asp697Gly (NM_001365952.1); c.1952A>G, p.Asp651Gly (NM_001365953.1, NM_015074.3, NM_183416.4); short protein forms D651G, D697G.
Identifiers: ClinVar variation 1783255 (VCV001783255.3), dbSNP rs1650311752, ClinGen allele CA338317954.

ClinVar aggregate classification (germline): Uncertain significance (1 of 4 stars; one submission).

Allele frequency attached by ClinVar (database versions not stated): TOPMed below 0.00001.

Submission:

Ambry Genetics
Classification: Uncertain significance. Last evaluated: 2025-07-23. Review status: criteria provided, single submitter. Criteria: Ambry Variant Classification Scheme 2023. Collection method: clinical testing. Allele origin: germline.
Comment: The p.D651G variant (also known as c.1952A>G), located in coding exon 19 of the KIF1B gene, results from an A to G substitution at nucleotide position 1952. The aspartic acid at codon 651 is replaced by glycine, an amino acid with similar properties. This amino acid position is conserved. In addition, this alteration is predicted to be deleterious by in silico analysis. The evidence for this gene-disease relationship is limited; therefore, the clinical significance of this alteration is unclear.